The following is an entry in ClinVar:

ClinVar aggregate classification (germline): Likely pathogenic (1 of 4 stars; one submission).

Conditions:
Intellectual disability-severe speech delay-mild dysmorphism syndrome (IDDLA). Also called: Intellectual developmental disorder with language impairment AND with or without autistic features; FOXP1 Syndrome; Mental retardation with language impairment and autistic features. Identifiers: Orphanet 391372, MedGen C4013764, MONDO:0013352, OMIM 613670.

Submission:

Greenwood Genetic Center Diagnostic Laboratories, Greenwood Genetic Center
Classification: Likely pathogenic for Intellectual disability-severe speech delay-mild dysmorphism syndrome. Last evaluated: 2024-09-30. Review status: criteria provided, single submitter. Criteria: ACMG Guidelines, 2015. Collection method: clinical testing. Allele origin: germline. Affected: yes.
Comment: PVS1, PM2, PM6

NM_001349338.3(FOXP1):c.1131del (p.Ala378fs)

Gene: FOXP1 (forkhead box P1; minus strand). Cytogenetic location: 3p13.
Variant type: Deletion.
Coding change: c.1131del on transcript NM_001349338.3 (MANE Select); coding-DNA position 1131, one base deleted (A; older notation c.1131delA).
Protein change: p.Ala378fs; shifts the reading frame from alanine 378.
Molecular consequence: frameshift variant. On other transcripts: non-coding transcript variant (2).
Genome position (GRCh38, 1-based): chr3:70,988,009, T deleted on the plus strand (A on the coding strand, the reverse complement: FOXP1 is on the minus strand); the first of 3 consecutive T bases (chr3:70,988,009-70,988,011); deleting any one gives the same sequence. VCF-style (leftmost placement, unchanged base first): chr3-70988008-CT-C. GRCh37 (hg19) VCF-style: chr3-71037159-CT-C.
Other names: c.1131del, p.Ala378fs (NM_001244808.3, NM_001244810.2, NM_001244814.3 and 3 more transcripts); c.903del, p.Ala302fs (NM_001244812.3); c.831del, p.Ala278fs (NM_001244813.3, NM_001244815.2, NM_001349342.3 and 1 more transcripts); c.828del, p.Ala277fs (NM_001349337.2, NM_001349343.3, NM_001349344.3); c.1128del, p.Ala377fs (NM_001349341.3); short protein forms A277fs, A278fs, A302fs, A377fs, A378fs.
Identifiers: ClinVar variation 3765675 (VCV003765675.1).
Genomic context (GRCh38, chr3:70,988,008, plus strand): 5'-TACTGTGAGTTTTGTTTTTTTCCCCTTGGTGGGGATCAATACTTACGGGCTGAGGGGCGG[CT>C]TTGGGTTCTGTAGACTTCACATGCAGGTGGGTCATCATGGCTTGCAGGCGTTCTTTGTCT-3'